The following is an entry in ClinVar:

NM_000088.4(COL1A1):c.3792G>A (p.Met1264Ile)

Gene: COL1A1 (collagen type I alpha 1 chain; minus strand). Cytogenetic location: 17q21.33.
Variant type: single nucleotide variant.
Coding change: c.3792G>A on transcript NM_000088.4 (MANE Select); coding-DNA position 3792, G replaced by A.
Protein change: p.Met1264Ile; replaces methionine 1264 with isoleucine.
Molecular consequence: missense variant.
Genome position (GRCh38, 1-based): chr17:50,186,662, C>T on the plus strand (G>A on the coding strand, the complement: COL1A1 is on the minus strand). VCF-style: chr17-50186662-C-T. GRCh37 (hg19) VCF-style: chr17-48264023-C-T.
Other names: short protein forms M1264I.
Identifiers: ClinVar variation 3602838 (VCV003602838.1).

ClinVar aggregate classification (germline): Uncertain significance (1 of 4 stars; one submission).

Submission:

GeneDx
Classification: Uncertain significance. Last evaluated: 2024-08-08. Review status: criteria provided, single submitter. Criteria: GeneDx Variant Classification Process June 2021. Collection method: clinical testing. Allele origin: germline. Affected: yes.
Comment: Not observed at significant frequency in large population cohorts (gnomAD); In silico analysis indicates that this missense variant does not alter protein structure/function; Has not been previously published as pathogenic or benign to our knowledge